The following is an entry in ClinVar:

ClinVar aggregate classification (germline): Pathogenic (1 of 4 stars; one submission).

Conditions:
Tuberous sclerosis 2 (TSC2). Identifiers: Orphanet 805, MedGen C1860707, MONDO:0013199, OMIM 613254.

Submission:

Labcorp Genetics (formerly Invitae), Labcorp
Classification: Pathogenic for Tuberous sclerosis 2. Last evaluated: 2024-03-07. Review status: criteria provided, single submitter. Criteria: Invitae Variant Classification Sherloc (09022015). Collection method: clinical testing. Allele origin: germline.
Comment: This sequence change creates a premature translational stop signal (p.Ser422Profs*8) in the TSC2 gene. It is expected to result in an absent or disrupted protein product. Loss-of-function variants in TSC2 are known to be pathogenic (PMID: 10205261, 17304050). This variant is not present in population databases (gnomAD no frequency). This variant has not been reported in the literature in individuals affected with TSC2-related conditions. For these reasons, this variant has been classified as Pathogenic.

Literature cited by the submitters: PubMed 10205261; PubMed 17304050.

NM_000548.5(TSC2):c.1264_1265del (p.Ser422fs)

Gene: TSC2 (TSC complex subunit 2; plus strand). Cytogenetic location: 16p13.3.
Variant type: Deletion.
Coding change: c.1264_1265del on transcript NM_000548.5 (MANE Select); coding-DNA positions 1264 to 1265, 2 bases deleted (TC; older notation c.1264_1265delTC).
Protein change: p.Ser422fs; shifts the reading frame from serine 422.
Molecular consequence: frameshift variant. On other transcripts: 5 prime UTR variant (8), non-coding transcript variant (5), intron variant (2).
Genome position (GRCh38, 1-based): chr16:2,062,503-2,062,504, TC deleted; deleting any 2 consecutive bases within chr16:2,062,502-2,062,504 gives the same sequence; the c. name uses the placement nearest the transcript's 3' end. VCF-style (leftmost placement, unchanged base first): chr16-2062501-CCT-C. GRCh37 (hg19) VCF-style: chr16-2112502-CCT-C.
Other names: c.802_803del, p.Ser268fs (NM_001406681.1); c.664_665del, p.Ser222fs (NM_001406682.1, NM_001406683.1, NM_001406684.1 and 6 more transcripts); c.-81_-80del (NM_001406689.1, NM_001406690.1, NM_001406691.1 and 4 more transcripts); c.1264_1265del, p.Ser422fs (NM_001077183.3, NM_001114382.3, NM_001363528.2 and 6 more transcripts); c.1153_1154del, p.Ser385fs (NM_001318827.2, NM_001406670.1, NM_001406678.1); c.1117_1118del, p.Ser373fs (NM_001318829.2, NM_001406675.1, NM_001406676.1 and 1 more transcripts); c.1297_1298del, p.Ser433fs (NM_001318832.2); c.1354_1355del, p.Ser452fs (NM_001406667.1, NM_001406668.1); and 4 more; short protein forms S373fs, S452fs, S222fs, S268fs, S403fs, S418fs, S433fs, S385fs.
Identifiers: ClinVar variation 3644911 (VCV003644911.2).